The following is an entry in ClinVar:

NM_005002.5(NDUFA9):c.1018A>G (p.Ile340Val)

Gene: NDUFA9 (NADH:ubiquinone oxidoreductase subunit A9; plus strand). Cytogenetic location: 12p13.32.
Variant type: single nucleotide variant.
Coding change: c.1018A>G on transcript NM_005002.5 (MANE Select); coding-DNA position 1018, A replaced by G.
Protein change: p.Ile340Val; replaces isoleucine 340 with valine.
Molecular consequence: missense variant.
Genome position (GRCh38, 1-based): chr12:4,686,992, A>G. VCF-style: chr12-4686992-A-G. GRCh37 (hg19) VCF-style: chr12-4796158-A-G.
Other names: short protein forms I340V.
Identifiers: ClinVar variation 2210011 (VCV002210011.6), dbSNP rs776405155, ClinGen allele CA6398361.

ClinVar aggregate classification (germline): Uncertain significance. Review status: criteria provided, multiple submitters, no conflicts (2 of 4 stars). 2 submissions from 2 submitters: Uncertain significance (2). Last evaluated 2025-12-06.

Conditions:
Inborn genetic diseases. Identifiers: MedGen C0950123, MeSH D030342.

Allele frequency attached by ClinVar (database versions not stated): gnomAD 0.00002; gnomAD exomes 0.00001; ExAC 0.00004; TOPMed 0.00008.

Submissions (2):

Labcorp Genetics (formerly Invitae), Labcorp
Classification: Uncertain significance. Last evaluated: 2025-12-06. Review status: criteria provided, single submitter. Criteria: Invitae Variant Classification Sherloc (09022015). Collection method: clinical testing. Allele origin: germline.
Comment: This sequence change replaces isoleucine, which is neutral and non-polar, with valine, which is neutral and non-polar, at codon 340 of the NDUFA9 protein (p.Ile340Val). This variant is present in population databases (rs776405155, gnomAD 0.01%). This variant has not been reported in the literature in individuals affected with NDUFA9-related conditions. ClinVar contains an entry for this variant (Variation ID: 2210011). An algorithm developed to predict the effect of missense changes on protein structure and function outputs the following: PolyPhen-2: "Benign". The valine amino acid residue is found in multiple mammalian species, which suggests that this missense change does not adversely affect protein function. In summary, the available evidence is currently insufficient to determine the role of this variant in disease. Therefore, it has been classified as a Variant of Uncertain Significance.

Ambry Genetics
Classification: Uncertain significance for Inborn genetic diseases. Last evaluated: 2025-11-12. Review status: criteria provided, single submitter. Criteria: Ambry Variant Classification Scheme 2023. Collection method: clinical testing. Allele origin: germline.